The following is an entry in ClinVar:

NM_001267550.2(TTN):c.94101A>C (p.Gln31367His)

Genes: TTN (titin; minus strand), TTN-AS1 (TTN antisense RNA 1; plus strand). Cytogenetic location: 2q31.2.
Variant type: single nucleotide variant.
Coding change: c.94101A>C on transcript NM_001267550.2 (MANE Select); coding-DNA position 94101, A replaced by C.
Protein change: p.Gln31367His; replaces glutamine 31367 with histidine.
Molecular consequence: missense variant.
Genome position (GRCh38, 1-based): chr2:178,547,525, T>G on the plus strand (A>C on the coding strand, the complement: TTN is on the minus strand). VCF-style: chr2-178547525-T-G. GRCh37 (hg19) VCF-style: chr2-179412252-T-G.
Other names: c.89178A>C, p.Gln29726His (NM_001256850.1); c.66906A>C, p.Gln22302His (NM_003319.4); c.86397A>C, p.Gln28799His (NM_133378.4); c.67281A>C, p.Gln22427His (NM_133432.3); c.67482A>C, p.Gln22494His (NM_133437.4); short protein forms Q22427H, Q22494H, Q28799H, Q29726H, Q31367H, Q22302H.
Identifiers: ClinVar variation 2651590 (VCV002651590.24), dbSNP rs2469097907, ClinGen allele CA349477831.

ClinVar aggregate classification (germline): Uncertain significance (1 of 4 stars; one submission).

gnomAD v4.1: 1 of 1,613,748 alleles (0.000062%); highest among the groups gnomAD compares: Non-Finnish European, 0.000085%; no homozygotes.

Submission:

CeGaT Center for Human Genetics Tuebingen
Classification: Uncertain significance. Last evaluated: 2023-05-01. Review status: criteria provided, single submitter. Criteria: CeGaT Center For Human Genetics Tuebingen Variant Classification Criteria Version 2. Collection method: clinical testing. Allele origin: germline. Affected: yes. Observed: 1 variant allele.
Comment: TTN: PM2